The following is an entry in ClinVar:

NM_173660.5(DOK7):c.857A>G (p.Glu286Gly)

Gene: DOK7 (docking protein 7; plus strand). Cytogenetic location: 4p16.3.
Variant type: single nucleotide variant.
Coding change: c.857A>G on transcript NM_173660.5 (MANE Select); coding-DNA position 857, A replaced by G.
Protein change: p.Glu286Gly; replaces glutamic acid 286 with glycine.
Molecular consequence: missense variant. On other transcripts: 3 prime UTR variant (1), 5 prime UTR variant (1).
Genome position (GRCh38, 1-based): chr4:3,492,843, A>G. VCF-style: chr4-3492843-A-G. GRCh37 (hg19) VCF-style: chr4-3494570-A-G.
Other names: c.*78A>G (NM_001164673.2); c.-74A>G (NM_001256896.2); c.857A>G, p.Glu286Gly (NM_001301071.2); c.425A>G, p.Glu142Gly (NM_001363811.2); short protein forms E286G, E142G.
Identifiers: ClinVar variation 465690 (VCV000465690.8), dbSNP rs754105518, ClinGen allele CA2829253.
Genomic context (GRCh38, chr4:3,492,843, plus strand): 5'-CATCCTCAGAGGCCAGTCACTTGGACGTCAGCGCCAGCAGCCGGCTCACCGCATGGCCAG[A>G]GCAATCCTCGTCGTCAGCCAGCACGTCACAGGAGGGGCCTAGACCAGCAGCTGCCCAGGC-3'
Protein context (NP_775931.3, residues 276-296): SASSRLTAWP[Glu286Gly]QSSSSASTSQ

ClinVar aggregate classification (germline): Uncertain significance. Review status: criteria provided, multiple submitters, no conflicts (2 of 4 stars). 3 submissions from 3 submitters: Uncertain significance (3). Last evaluated 2025-12-16.

Conditions:
Congenital myasthenic syndrome 10. Also called: Myasthenia, limb-girdle, familial. Identifiers: Orphanet 590, MedGen C1850792, MONDO:0009690, OMIM 254300.
Fetal akinesia deformation sequence 3. Identifiers: MedGen C4760599, MONDO:0100103, OMIM 618389.
Inborn genetic diseases. Identifiers: MedGen C0950123, MeSH D030342.
Fetal akinesia deformation sequence 1 (FADS1). Also called: Fetal akinesia sequence; Pena-Shokeir syndrome type I. Identifiers: Orphanet 994, MedGen C1276035, MONDO:0100101, OMIM 208150, HP:0001989.

Allele frequency attached by ClinVar (database versions not stated): TOPMed 0.00004; ExAC 0.00003; gnomAD 0.00003 and 0.00002; gnomAD exomes 0.00004 and 0.00002.
gnomAD v4.1: 64 of 1,612,014 alleles (0.004%); highest among the groups gnomAD compares: Non-Finnish European, 0.0053%; no homozygotes.

Submissions (3):

Ambry Genetics
Classification: Uncertain significance for Inborn genetic diseases. Last evaluated: 2025-12-16. Review status: criteria provided, single submitter. Criteria: Ambry Variant Classification Scheme 2023. Collection method: clinical testing. Allele origin: germline.

Labcorp Genetics (formerly Invitae), Labcorp
Classification: Uncertain significance for Congenital myasthenic syndrome 10; Fetal akinesia deformation sequence 1. Last evaluated: 2022-08-09. Review status: criteria provided, single submitter. Criteria: Invitae Variant Classification Sherloc (09022015). Collection method: clinical testing. Allele origin: germline.
Comment: This sequence change replaces glutamic acid, which is acidic and polar, with glycine, which is neutral and non-polar, at codon 286 of the DOK7 protein (p.Glu286Gly). This variant is present in population databases (rs754105518, gnomAD 0.005%). This variant has not been reported in the literature in individuals affected with DOK7-related conditions. ClinVar contains an entry for this variant (Variation ID: 465690). Algorithms developed to predict the effect of missense changes on protein structure and function are either unavailable or do not agree on the potential impact of this missense change (SIFT: "Deleterious"; PolyPhen-2: "Possibly Damaging"; Align-GVGD: "Class C0"). In summary, the available evidence is currently insufficient to determine the role of this variant in disease. Therefore, it has been classified as a Variant of Uncertain Significance.

Fulgent Genetics
Classification: Uncertain significance for Congenital myasthenic syndrome 10; Fetal akinesia deformation sequence 3. Last evaluated: 2021-07-15. Review status: criteria provided, single submitter. Criteria: ACMG Guidelines, 2015. Collection method: clinical testing. Allele origin: unknown.